The following is an entry in ClinVar:

NM_031372.4(HNRNPDL):c.115G>A (p.Ala39Thr)

Gene: HNRNPDL (heterogeneous nuclear ribonucleoprotein D like; minus strand). Cytogenetic location: 4q21.22.
Variant type: single nucleotide variant.
Coding change: c.115G>A on transcript NM_031372.4 (MANE Select); coding-DNA position 115, G replaced by A.
Protein change: p.Ala39Thr; replaces alanine 39 with threonine.
Molecular consequence: missense variant. On other transcripts: non-coding transcript variant (1).
Genome position (GRCh38, 1-based): chr4:82,429,576, C>T on the plus strand (G>A on the coding strand, the complement: HNRNPDL is on the minus strand). VCF-style: chr4-82429576-C-T. GRCh37 (hg19) VCF-style: chr4-83350729-C-T.
Other names: c.115G>A, p.Ala39Thr (NM_001207000.1); short protein forms A39T.
Identifiers: ClinVar variation 1426966 (VCV001426966.8), dbSNP rs10024950, ClinGen allele CA100599523.

ClinVar aggregate classification (germline): Uncertain significance (1 of 4 stars; one submission).

Conditions:
Autosomal dominant limb-girdle muscular dystrophy type 1G (LGMDD3). Also called: Limb-girdle muscular dystrophy, type 1G; MUSCULAR DYSTROPHY, LIMB-GIRDLE, AUTOSOMAL DOMINANT 3. Identifiers: Orphanet 55596, MedGen C1836765, MONDO:0012193, OMIM 609115.

gnomAD v4.1: 9 of 1,390,648 alleles (0.00065%); highest among the groups gnomAD compares: Non-Finnish European, 0.00084%; no homozygotes.

Submission:

Labcorp Genetics (formerly Invitae), Labcorp
Classification: Uncertain significance for Autosomal dominant limb-girdle muscular dystrophy type 1G. Last evaluated: 2021-01-09. Review status: criteria provided, single submitter. Criteria: Invitae Variant Classification Sherloc (09022015). Collection method: clinical testing. Allele origin: germline.
Comment: In summary, the available evidence is currently insufficient to determine the role of this variant in disease. Therefore, it has been classified as a Variant of Uncertain Significance. This sequence change replaces alanine with threonine at codon 39 of the HNRNPDL protein (p.Ala39Thr). The alanine residue is moderately conserved and there is a small physicochemical difference between alanine and threonine. The frequency data for this variant in the population databases is considered unreliable, as metrics indicate insufficient coverage at this position in the ExAC database. This variant has not been reported in the literature in individuals with HNRNPDL-related conditions. Algorithms developed to predict the effect of missense changes on protein structure and function are either unavailable or do not agree on the potential impact of this missense change (SIFT: "Deleterious"; PolyPhen-2: "Possibly Damaging"; Align-GVGD: "Class C0").